The following is an entry in ClinVar:

ClinVar aggregate classification (germline): Benign. Review status: criteria provided, single submitter (1 of 4 stars). 2 submissions from 2 submitters: Benign (1). 1 of the submissions does not count toward it. Last evaluated 2025-06-26.

Conditions:
NTRK2-related disorder. Also called: NTRK2-related condition.

Allele frequency attached by ClinVar (database versions not stated): gnomAD exomes 0.00009 and 0.00021; TOPMed 0.00010; gnomAD 0.00011 and 0.00012; ExAC 0.00017; ESP Exome Variant Server 0.00031.
gnomAD v4.1: 172 of 1,613,988 alleles (0.011%); highest among the groups gnomAD compares: Admixed American, 0.015%; 1 homozygote.

Submissions (2):

Labcorp Genetics (formerly Invitae), Labcorp
Classification: Benign. Last evaluated: 2025-06-26. Review status: criteria provided, single submitter. Criteria: Invitae Variant Classification Sherloc (09022015). Collection method: clinical testing. Allele origin: germline.

PreventionGenetics, part of Exact Sciences
Classification: Likely benign for NTRK2-related condition. Last evaluated: 2020-10-05. Review status: no assertion criteria provided. Collection method: clinical testing. Allele origin: germline. Not counted in ClinVar's aggregate classification.
Comment: This variant is classified as likely benign based on ACMG/AMP sequence variant interpretation guidelines (Richards et al. 2015 PMID: 25741868, with internal and published modifications).

NM_006180.6(NTRK2):c.1071G>C (p.Gly357=)

Gene: NTRK2 (neurotrophic receptor tyrosine kinase 2; plus strand). Cytogenetic location: 9q21.33.
Variant type: single nucleotide variant.
Coding change: c.1071G>C on transcript NM_006180.6 (MANE Select); coding-DNA position 1071, G replaced by C.
Protein change: p.Gly357=; no amino-acid change (glycine 357 retained).
Molecular consequence: synonymous variant.
Genome position (GRCh38, 1-based): chr9:84,727,871, G>C. VCF-style: chr9-84727871-G-C. GRCh37 (hg19) VCF-style: chr9-87342786-G-C.
Other names: c.1071G>C, p.Gly357= (NM_001007097.3, NM_001018064.3, NM_001018065.2 and 16 more transcripts); c.1032G>C, p.Gly344= (NM_001291937.2, NM_001369546.1); c.603G>C, p.Gly201= (NM_001369535.1, NM_001369536.1, NM_001369550.1 and 2 more transcripts); c.1071G>C (NM_006180.4).
Identifiers: ClinVar variation 1658279 (VCV001658279.10), dbSNP rs138437877, ClinGen allele CA5105618.